The following is an entry in ClinVar:

NM_001007553.3(CSDE1):c.2092C>G (p.Leu698Val)

Gene: CSDE1 (cold shock domain containing E1; minus strand). Cytogenetic location: 1p13.2.
Variant type: single nucleotide variant.
Coding change: c.2092C>G on transcript NM_001007553.3 (MANE Select); coding-DNA position 2092, C replaced by G.
Protein change: p.Leu698Val; replaces leucine 698 with valine.
Molecular consequence: missense variant.
Genome position (GRCh38, 1-based): chr1:114,719,703, G>C on the plus strand (C>G on the coding strand, the complement: CSDE1 is on the minus strand). VCF-style: chr1-114719703-G-C. GRCh37 (hg19) VCF-style: chr1-115262324-G-C.
Other names: c.2137C>G, p.Leu713Val (NM_001130523.3); c.2230C>G, p.Leu744Val (NM_001242891.2); c.2092C>G, p.Leu698Val (NM_001242892.2); c.1999C>G, p.Leu667Val (NM_001242893.2, NM_007158.6); short protein forms L667V, L698V, L713V, L744V.
Identifiers: ClinVar variation 4874587 (VCV004874587.2).
Genomic context (GRCh38, chr1:114,719,703, plus strand): 5'-CCACCTCATCTCCTGCCTGTAGCTCAATGCCATCCTGAACTTCTTTCACATGGAAAAAGA[G>C]CTTCTTGCTATCTCCTACTTCATAGTTAATGAAGCCAAACTGAAAAAAAAAAGTAGGTAA-3'
Protein context (NP_001007554.1, residues 688-708): INYEVGDSKK[Leu698Val]FFHVKEVQDG

ClinVar aggregate classification (germline): Uncertain significance (1 of 4 stars; one submission).

Submission:

CeGaT Center for Human Genetics Tuebingen
Classification: Uncertain significance. Last evaluated: 2026-04-01. Review status: criteria provided, single submitter. Criteria: CeGaT Center For Human Genetics Tuebingen Variant Classification Criteria Version 2. Collection method: clinical testing. Allele origin: germline. Affected: yes. Observed: 1 variant allele.
Comment: CSDE1: PM2, PP2